The following is an entry in ClinVar:

ClinVar aggregate classification (germline): Uncertain significance. Review status: criteria provided, multiple submitters, no conflicts (2 of 4 stars). 2 submissions from 2 submitters: Uncertain significance (2). Last evaluated 2026-03-24.

Conditions:
Hypertrophic cardiomyopathy 14. Identifiers: MedGen C2750467, MONDO:0013197, OMIM 613251.

Allele frequency attached by ClinVar (database versions not stated): gnomAD below 0.00001 and 0.00001; gnomAD exomes 0.00007; ExAC 0.00009.
gnomAD v4.1: 80 of 1,614,006 alleles (0.005%); highest among the groups gnomAD compares: South Asian, 0.076%; no homozygotes.

Submissions (2):

GeneDx
Classification: Uncertain significance. Last evaluated: 2026-03-24. Review status: criteria provided, single submitter. Criteria: GeneDx Variant Classification Process June 2021. Collection method: clinical testing. Allele origin: germline.
Comment: In silico analysis supports that this missense variant has a deleterious effect on protein structure/function; Identified in patients with congenital heart defects, dilated cardiomyopathy (DCM) or hypertrophic cardiomyopathy (HCM) in published literature; additional cardiogenetic variants were identified in most cases (PMID: 30847666); This variant is associated with the following publications: (PMID: 30847666, 40617375, 40127276)

Labcorp Genetics (formerly Invitae), Labcorp
Classification: Uncertain significance for Hypertrophic cardiomyopathy 14. Last evaluated: 2025-09-07. Review status: criteria provided, single submitter. Criteria: Invitae Variant Classification Sherloc (09022015). Collection method: clinical testing. Allele origin: germline.
Comment: This sequence change replaces phenylalanine, which is neutral and non-polar, with leucine, which is neutral and non-polar, at codon 1898 of the MYH6 protein (p.Phe1898Leu). This variant is present in population databases (rs762923098, gnomAD 0.06%), and has an allele count higher than expected for a pathogenic variant. This missense change has been observed in individual(s) with dilated cardiomyopathy (PMID: 30847666). ClinVar contains an entry for this variant (Variation ID: 839642). Invitae Evidence Modeling of protein sequence and biophysical properties (such as structural, functional, and spatial information, amino acid conservation, physicochemical variation, residue mobility, and thermodynamic stability) indicates that this missense variant is not expected to disrupt MYH6 protein function with a negative predictive value of 80%. In summary, the available evidence is currently insufficient to determine the role of this variant in disease. Therefore, it has been classified as a Variant of Uncertain Significance.

Literature cited by the submitters: PubMed 30847666 (cited by Labcorp Genetics (formerly Invitae), Labcorp).

NM_002471.4(MYH6):c.5692T>C (p.Phe1898Leu)

Gene: MYH6 (myosin heavy chain 6; minus strand). Cytogenetic location: 14q11.2.
Variant type: single nucleotide variant.
Coding change: c.5692T>C on transcript NM_002471.4 (MANE Select); coding-DNA position 5692, T replaced by C.
Protein change: p.Phe1898Leu; replaces phenylalanine 1898 with leucine.
Molecular consequence: missense variant.
Genome position (GRCh38, 1-based): chr14:23,382,532, A>G on the plus strand (T>C on the coding strand, the complement: MYH6 is on the minus strand). VCF-style: chr14-23382532-A-G. GRCh37 (hg19) VCF-style: chr14-23851741-A-G.
Other names: short protein forms F1898L.
Identifiers: ClinVar variation 839642 (VCV000839642.10), dbSNP rs762923098, ClinGen allele CA7114303.